The following is an entry in ClinVar:

ClinVar aggregate classification (germline): Conflicting classifications of pathogenicity. Review status: criteria provided, conflicting classifications (1 of 4 stars). 2 submissions from 2 submitters: Likely pathogenic (1); Uncertain significance (1). Last evaluated 2023-08-03.

Allele frequency attached by ClinVar (database versions not stated): gnomAD exomes below 0.00001.
gnomAD v4.1: 2 of 1,614,218 alleles (0.00012%); highest among the groups gnomAD compares: Non-Finnish European, 0.00017%; no homozygotes.

Submissions (2):

Revvity Omics, Revvity
Classification: Uncertain significance. Last evaluated: 2023-08-03. Review status: criteria provided, single submitter. Criteria: ACMG Guidelines, 2015. Collection method: clinical testing. Allele origin: germline.

GeneDx
Classification: Likely pathogenic. Last evaluated: 2014-08-13. Review status: criteria provided, single submitter. Criteria: GeneDx Variant Classification (06012015). Collection method: clinical testing. Allele origin: germline. Affected: yes.
Comment: To our knowledge, the N855S variant has neither been published as pathogenic, nor reported as a benign polymorphism. This variant was not observed in approximately 6500 individuals of European and African American ancestry in an external variant database, indicating it is not a common benign variant in these populations. N855S is a conservative amino acid substitution, which is not likely to impact secondary protein structure as these residues share similar properties. This substitution occurs at a position that is highly conserved across species. In silico analysis predicts this variant is probably damaging to the protein structure/function. Missense variants in the same and nearby residues (N855I, R841Q, R841W) have been reported in the Human Gene Mutation Database in association with RAG1-deficiency disorders (Stenson et al., 2009), supporting the functional importance of this region of the protein. Therefore, this is a strong candidate for a pathogenic variant, however the possibility that it is a benign variant cannot be excluded.

NM_000448.3(RAG1):c.2564A>G (p.Asn855Ser)

Gene: RAG1 (recombination activating 1; plus strand). Cytogenetic location: 11p12.
Variant type: single nucleotide variant.
Coding change: c.2564A>G on transcript NM_000448.3 (MANE Select); coding-DNA position 2564, A replaced by G.
Protein change: p.Asn855Ser; replaces asparagine 855 with serine.
Molecular consequence: missense variant.
Genome position (GRCh38, 1-based): chr11:36,575,868, A>G. VCF-style: chr11-36575868-A-G. GRCh37 (hg19) VCF-style: chr11-36597418-A-G.
Other names: c.2564A>G, p.Asn855Ser (NM_001377277.1, NM_001377278.1, NM_001377279.1 and 1 more transcripts); short protein forms N855S.
Identifiers: ClinVar variation 418450 (VCV000418450.4), dbSNP rs199474690, ClinGen allele CA16619318.